The following is an entry in ClinVar:

ClinVar aggregate classification (germline): Likely pathogenic (1 of 4 stars; one submission).

Conditions:
Cystic fibrosis (CF). Also called: MUCOVISCIDOSIS. Identifiers: Orphanet 586, MedGen C0010674, MONDO:0009061, OMIM 219700. Disease mechanism: loss of function.

Submission:

Women's Health and Genetics/Laboratory Corporation of America, LabCorp
Classification: Likely pathogenic for Cystic fibrosis. Last evaluated: 2024-05-06. Review status: criteria provided, single submitter. Criteria: LabCorp Variant Classification Summary - May 2015. Collection method: clinical testing. Allele origin: germline.
Comment: Variant summary: CFTR c.273+1G>C is located in a canonical splice-site and is predicted to affect mRNA splicing resulting in a significantly altered protein due to either exon skipping, shortening, or inclusion of intronic material. Several computational tools predict a significant impact on normal splicing: Three predict the variant abolishes the canonical 5' splicing donor site. One predict the variant no significant impact on splicing. However, these predictions have yet to be confirmed by functional studies. The variant was absent in 250546 control chromosomes. c.273+1G>C has been reported in the literature in at-least three individuals affected with Cystic Fibrosis (Deepak_2012, Pallenberg_2023). These data indicate that the variant may be associated with disease. To our knowledge, no experimental evidence demonstrating an impact on protein function has been reported. The following publications have been ascertained in the context of this evaluation (PMID: 27625827, 37050906). No submitters have cited clinical-significance assessments for this variant to ClinVar. Based on the evidence outlined above, the variant was classified as likely pathogenic.

Literature cited by the submitters: PubMed 27625827; PubMed 37050906.

NM_000492.4(CFTR):c.273+1G>C

Gene: CFTR (CF transmembrane conductance regulator; plus strand). Cytogenetic location: 7q31.2.
Variant type: single nucleotide variant.
Coding change: c.273+1G>C on transcript NM_000492.4 (MANE Select); the canonical splice donor site of the intron after coding-DNA position 273, G replaced by C.
Molecular consequence: splice donor variant.
Genome position (GRCh38, 1-based): chr7:117,509,143, G>C. VCF-style: chr7-117509143-G-C. GRCh37 (hg19) VCF-style: chr7-117149197-G-C.
Identifiers: ClinVar variation 3336145 (VCV003336145.1).